The following is an entry in ClinVar:

NM_001267550.2(TTN):c.71501A>C (p.Gln23834Pro)

Genes: TTN (titin; minus strand), TTN-AS1 (TTN antisense RNA 1; plus strand). Cytogenetic location: 2q31.2.
Variant type: single nucleotide variant.
Coding change: c.71501A>C on transcript NM_001267550.2 (MANE Select); coding-DNA position 71501, A replaced by C.
Protein change: p.Gln23834Pro; replaces glutamine 23834 with proline.
Molecular consequence: missense variant.
Genome position (GRCh38, 1-based): chr2:178,574,631, T>G on the plus strand (A>C on the coding strand, the complement: TTN is on the minus strand). VCF-style: chr2-178574631-T-G. GRCh37 (hg19) VCF-style: chr2-179439358-T-G.
Other names: c.66578A>C, p.Gln22193Pro (NM_001256850.1); c.44306A>C, p.Gln14769Pro (NM_003319.4); c.63797A>C, p.Gln21266Pro (NM_133378.4); c.44681A>C, p.Gln14894Pro (NM_133432.3); c.44882A>C, p.Gln14961Pro (NM_133437.4); short protein forms Q14769P, Q23834P, Q14894P, Q14961P, Q21266P, Q22193P.
Identifiers: ClinVar variation 264122 (VCV000264122.13), dbSNP rs757958768, ClinGen allele CA1990622.

ClinVar aggregate classification (germline): Uncertain significance. Review status: criteria provided, multiple submitters, no conflicts (2 of 4 stars). 2 submissions from 2 submitters: Uncertain significance (2). Last evaluated 2021-01-04.

Conditions:
Cardiovascular phenotype. Identifiers: MedGen CN230736.

Allele frequency attached by ClinVar (database versions not stated): gnomAD exomes below 0.00001; ExAC 0.00001; TOPMed 0.00001.
gnomAD v4.1: 4 of 1,613,034 alleles (0.00025%); highest among the groups gnomAD compares: Non-Finnish European, 0.00034%; no homozygotes.

Submissions (2):

Mayo Clinic Laboratories, Mayo Clinic
Classification: Uncertain significance. Last evaluated: 2021-01-04. Review status: criteria provided, single submitter. Criteria: ACMG Guidelines, 2015. Collection method: clinical testing. Allele origin: germline. Observed: 3 variant alleles.

Ambry Genetics
Classification: Uncertain significance for Cardiovascular phenotype. Last evaluated: 2015-06-29. Review status: criteria provided, single submitter. Criteria: Ambry Variant Classification Scheme 2023. Collection method: clinical testing. Allele origin: germline.
Comment: The p.Q14769P variant (also known as c.44306A>C), located in coding exon 153 of the TTN gene, results from an A to C substitution at nucleotide position 44306. The glutamine at codon 14769 is replaced by proline, an amino acid with similar properties. This variant was not reported in population based cohorts in the following databases: Database of Single Nucleotide Polymorphisms (dbSNP), NHLBI Exome Sequencing Project (ESP), and 1000 Genomes Project. In the ESP, this variant was not observed in 6054 samples (12108 alleles) with coverage at this position. In ExAC, this variant was seen in 1/120206 samples.This amino acid position is well conserved across mammals, but not well conserved across all available vertebrate species. In addition, this alteration is predicted to be tolerated by in silico analysis. Since supporting evidence for this variant is limited at this time, its clinical significance is unclear.